The following is an entry in ClinVar:

NM_001701.4(BAAT):c.*9G>T

Gene: BAAT (bile acid-CoA:amino acid N-acyltransferase; minus strand). Cytogenetic location: 9q31.1.
Variant type: single nucleotide variant.
Coding change: c.*9G>T on transcript NM_001701.4 (MANE Select); 9 bases downstream of the stop codon, G replaced by T.
Molecular consequence: 3 prime UTR variant.
Genome position (GRCh38, 1-based): chr9:101,362,419, C>A on the plus strand (G>T on the coding strand, the complement: BAAT is on the minus strand). VCF-style: chr9-101362419-C-A. GRCh37 (hg19) VCF-style: chr9-104124701-C-A.
Other names: c.*9G>T (NM_001127610.2, NM_001374715.1).
Identifiers: ClinVar variation 4989267 (VCV004989267.1).

ClinVar aggregate classification (germline): Likely benign (1 of 4 stars; one submission).

Conditions:
BAAT-related disorder. Also called: BAAT-related condition.

gnomAD v4.1: 4 of 1,611,956 alleles (0.00025%); highest among the groups gnomAD compares: African/African-American, 0.0053%; no homozygotes.

Submission:

PreventionGenetics, part of Exact Sciences
Classification: Likely benign for BAAT-related condition. Last evaluated: 2025-12-04. Review status: criteria provided, single submitter. Criteria: ACMG Guidelines, 2015. Collection method: clinical testing. Allele origin: germline.
Comment: This variant is classified as likely benign based on ACMG/AMP sequence variant interpretation guidelines (Richards et al. 2015 PMID: 25741868, with internal and published modifications).